The following is an entry in ClinVar:

ClinVar aggregate classification (germline): Pathogenic (1 of 4 stars; one submission).

Conditions:
Autoimmune lymphoproliferative syndrome, type III caused by mutation in PRKCD. Identifiers: Orphanet 3261, Orphanet 664711, MedGen C3809928, MONDO:8000024, OMIM 615559.

Submission:

Labcorp Genetics (formerly Invitae), Labcorp
Classification: Pathogenic for Autoimmune lymphoproliferative syndrome, type III caused by mutation in PRKCD. Last evaluated: 2024-04-18. Review status: criteria provided, single submitter. Criteria: Invitae Variant Classification Sherloc (09022015). Collection method: clinical testing. Allele origin: germline.
Comment: This sequence change creates a premature translational stop signal (p.Tyr514*) in the PRKCD gene. It is expected to result in an absent or disrupted protein product. Loss-of-function variants in PRKCD are known to be pathogenic (PMID: 11976687, 23319571, 23430113). This variant is not present in population databases (gnomAD no frequency). This variant has not been reported in the literature in individuals affected with PRKCD-related conditions. For these reasons, this variant has been classified as Pathogenic.

Literature cited by the submitters: PubMed 11976687; PubMed 23319571; PubMed 23430113.

NM_006254.4(PRKCD):c.1542T>G (p.Tyr514Ter)

Gene: PRKCD (protein kinase C delta; plus strand). Cytogenetic location: 3p21.1.
Variant type: single nucleotide variant.
Coding change: c.1542T>G on transcript NM_006254.4 (MANE Select); coding-DNA position 1542, T replaced by G.
Protein change: p.Tyr514Ter; replaces tyrosine 514 with a stop codon.
Molecular consequence: nonsense.
Genome position (GRCh38, 1-based): chr3:53,188,846, T>G. VCF-style: chr3-53188846-T-G. GRCh37 (hg19) VCF-style: chr3-53222862-T-G.
Other names: c.1542T>G, p.Tyr514Ter (NM_001316327.2, NM_001354679.2, NM_001354680.2 and 1 more transcripts); c.1599T>G, p.Tyr533Ter (NM_001354676.2); c.1590T>G, p.Tyr530Ter (NM_001354678.2); short protein forms Y533*, Y514*, Y530*.
Identifiers: ClinVar variation 3650412 (VCV003650412.2).